The following is an entry in ClinVar:

ClinVar aggregate classification (germline): Uncertain significance. Review status: criteria provided, multiple submitters, no conflicts (2 of 4 stars). 3 submissions from 3 submitters: Uncertain significance (3). Last evaluated 2024-12-17.

Conditions:
Intellectual developmental disorder, autosomal dominant 30, with speech delay and behavioral abnormalities. Also called: Intellectual disability, autosomal dominant 30. Identifiers: Orphanet 436151, MedGen C4015167, MONDO:0014486, OMIM 616083.

Allele frequency attached by ClinVar (database versions not stated): gnomAD exomes below 0.00001 and 0.00002; gnomAD 0.00005; TOPMed 0.00006.
gnomAD v4.1: 39 of 1,613,186 alleles (0.0024%); highest among the groups gnomAD compares: African/African-American, 0.0053%; no homozygotes.

Submissions (3):

Labcorp Genetics (formerly Invitae), Labcorp
Classification: Uncertain significance. Last evaluated: 2024-12-17. Review status: criteria provided, single submitter. Criteria: Invitae Variant Classification Sherloc (09022015). Collection method: clinical testing. Allele origin: germline.
Comment: This sequence change replaces histidine, which is basic and polar, with tyrosine, which is neutral and polar, at codon 486 of the ZMYND11 protein (p.His486Tyr). This variant is not present in population databases (gnomAD no frequency). This variant has not been reported in the literature in individuals affected with ZMYND11-related conditions. ClinVar contains an entry for this variant (Variation ID: 973332). Invitae Evidence Modeling of protein sequence and biophysical properties (such as structural, functional, and spatial information, amino acid conservation, physicochemical variation, residue mobility, and thermodynamic stability) indicates that this missense variant is not expected to disrupt ZMYND11 protein function with a negative predictive value of 80%. In summary, the available evidence is currently insufficient to determine the role of this variant in disease. Therefore, it has been classified as a Variant of Uncertain Significance.

Women's Health and Genetics/Laboratory Corporation of America, LabCorp
Classification: Uncertain significance. Last evaluated: 2023-03-08. Review status: criteria provided, single submitter. Criteria: LabCorp Variant Classification Summary - May 2015. Collection method: clinical testing. Allele origin: germline.
Comment: Variant summary: ZMYND11 c.1456C>T (p.His486Tyr) results in a conservative amino acid change in the encoded protein sequence. Four of five in-silico tools predict a benign effect of the variant on protein function. The variant allele was found at a frequency of 4e-06 in 249686 control chromosomes. The available data on variant occurrences in the general population are insufficient to allow any conclusion about variant significance. To our knowledge, no occurrence of c.1456C>T in individuals affected with Intellectual Disability, Autosomal Dominant 30 and no experimental evidence demonstrating its impact on protein function have been reported. No submitters have provided clinical-significance assessments for this variant to ClinVar after 2014. Based on the evidence outlined above, the variant was classified as uncertain significance.

UNC Molecular Genetics  Laboratory, University of North Carolina at Chapel Hill
Classification: Uncertain significance for Mental retardation, autosomal dominant 30. Review status: criteria provided, single submitter. Criteria: ACMG Guidelines, 2015. Collection method: research. Allele origin: germline. Observed: 1 variant allele. Study: CSER_NCGENES_2.
Comment: ZMYND11 c.1456C>T, [p. H486Y] has not been reported previously in the medical literature, and is a variant of uncertain significance.

NM_001370100.5(ZMYND11):c.1456C>T (p.His486Tyr)

Genes: ZMYND11 (zinc finger MYND-type containing 11; plus strand), LOC126860802 (BRD4-independent group 4 enhancer GRCh37_chr10:294268-295467; plus strand). Cytogenetic location: 10p15.3.
Variant type: single nucleotide variant.
Coding change: c.1456C>T on transcript NM_001370100.5 (MANE Select); coding-DNA position 1456, C replaced by T.
Protein change: p.His486Tyr; replaces histidine 486 with tyrosine.
Molecular consequence: missense variant. On other transcripts: non-coding transcript variant (1).
Genome position (GRCh38, 1-based): chr10:248,564, C>T. VCF-style: chr10-248564-C-T. GRCh37 (hg19) VCF-style: chr10-294504-C-T.
Other names: c.1294C>T, p.His432Tyr (NM_001202464.3, NM_001202467.1, NM_001370103.2 and 6 more transcripts); c.1201C>T, p.His401Tyr (NM_001202465.3, NM_001370110.2); c.1291C>T, p.His431Tyr (NM_001202466.3, NM_001370111.2); c.1456C>T, p.His486Tyr (NM_001202468.1, NM_001370097.3, NM_001370098.2 and 4 more transcripts); c.1405C>T, p.His469Tyr (NM_001330057.3, NM_001370112.2); c.1363C>T, p.His455Tyr (NM_001370113.2, NM_001370114.2); c.1453C>T, p.His485Tyr (NM_001370115.2, NM_212479.4); c.1390C>T, p.His464Tyr (NM_001370116.2); and 8 more; short protein forms H367Y, H401Y, H410Y, H485Y, H486Y, H384Y, H437Y, H446Y.
Identifiers: ClinVar variation 973332 (VCV000973332.3), dbSNP rs964671911, ClinGen allele CA201884967.
Genomic context (GRCh38, chr10:248,564, plus strand): 5'-ATGTGCCATGACAAATACACCAAGATCTTCAATGACTTCAAAGACCGGATGAAGTCGGAC[C>T]ACAAGCGGGAGACAGAGCGTGTTGTCCGAGAAGCTCTGGAGAAGGTAATGCTTGTCGCCA-3'
Protein context (NP_001357029.1, residues 476-496): NDFKDRMKSD[His486Tyr]KRETERVVRE